The following is an entry in ClinVar:

NM_000016.6(ACADM):c.727C>T (p.Arg243Ter)

Gene: ACADM (acyl-CoA dehydrogenase medium chain; plus strand). Cytogenetic location: 1p31.1.
Variant type: single nucleotide variant.
Coding change: c.727C>T on transcript NM_000016.6 (MANE Select); coding-DNA position 727, C replaced by T.
Protein change: p.Arg243Ter; replaces arginine 243 with a stop codon.
Molecular consequence: nonsense.
Genome position (GRCh38, 1-based): chr1:75,749,437, C>T. VCF-style: chr1-75749437-C-T. GRCh37 (hg19) VCF-style: chr1-76215122-C-T.
Other names: c.739C>T, p.Arg247Ter (NM_001127328.3); c.619C>T, p.Arg207Ter (NM_001286042.2); c.826C>T, p.Arg276Ter (NM_001286043.2); c.160C>T, p.Arg54Ter (NM_001286044.2); c.727C>T (NM_000016.5); short protein forms R276*, R54*, R207*, R243*, R247*.
Identifiers: ClinVar variation 1438490 (VCV001438490.12), dbSNP rs1462279583, ClinGen allele CA340816546.

ClinVar aggregate classification (germline): Pathogenic. Review status: criteria provided, multiple submitters, no conflicts (2 of 4 stars). 4 submissions from 4 submitters: Pathogenic (4). Last evaluated 2025-08-04.

Conditions:
Medium-chain acyl-coenzyme A dehydrogenase deficiency (ACADMD). Also called: ACADM DEFICIENCY; MCADH DEFICIENCY; CARNITINE DEFICIENCY SECONDARY TO MEDIUM-CHAIN ACYL-CoA DEHYDROGENASE DEFICIENCY; MCADD; Medium chain acyl-CoA dehydrogenase deficiency; MCAD Deficiency. Identifiers: Orphanet 42, MedGen C0220710, MONDO:0008721, OMIM 201450.

Allele frequency attached by ClinVar (database versions not stated): TOPMed below 0.00001; gnomAD 0.00001.

Submissions (4):

Natera, Inc.
Classification: Pathogenic for Medium Chain Acyl-CoA Dehydrogenase Deficiency. Last evaluated: 2025-08-04. Review status: criteria provided, single submitter. Criteria: Natera Variant Classification Schema (03/2026). Collection method: clinical testing. Allele origin: germline.
Comment: The c.727C>T variant in ACADM is a nonsense variant predicted to introduce a stop codon at amino acid 243. This variant is expected to result in nonsense mediated decay, truncation, or a dysfunctional protein product. This variant is rare in the general population with a frequency below the threshold expected for the associated phenotype(s). This variant has been observed in one or more individuals affected with the associated recessive disease, as either homozygous or compound heterozygous with a second variant (PMID: 31033143). Given the available evidence, this variant is classified as Pathogenic.

Labcorp Genetics (formerly Invitae), Labcorp
Classification: Pathogenic for Medium-chain acyl-coenzyme A dehydrogenase deficiency. Last evaluated: 2025-07-09. Review status: criteria provided, single submitter. Criteria: Invitae Variant Classification Sherloc (09022015). Collection method: clinical testing. Allele origin: germline.
Comment: This sequence change creates a premature translational stop signal (p.Arg243*) in the ACADM gene. It is expected to result in an absent or disrupted protein product. Loss-of-function variants in ACADM are known to be pathogenic (PMID: 16121256, 20434380). This variant is present in population databases (no rsID available, gnomAD 0.01%). This premature translational stop signal has been observed in individual(s) with medium-chain acyl-coenzyme A dehydrogenase deficiency (PMID: 31033143). ClinVar contains an entry for this variant (Variation ID: 1438490). For these reasons, this variant has been classified as Pathogenic.

Baylor Genetics
Classification: Pathogenic for Medium-chain acyl-coenzyme A dehydrogenase deficiency. Last evaluated: 2024-01-31. Review status: criteria provided, single submitter. Criteria: ACMG Guidelines, 2015. Collection method: clinical testing. Allele origin: unknown.

GeneDx
Classification: Pathogenic. Last evaluated: 2022-09-21. Review status: criteria provided, single submitter. Criteria: GeneDx Variant Classification Process June 2021. Collection method: clinical testing. Allele origin: germline. Affected: yes.
Comment: Nonsense variant predicted to result in protein truncation or nonsense mediated decay in a gene for which loss of function is a known mechanism of disease; Not observed at significant frequency in large population cohorts (gnomAD); Also known as p.(R218*); This variant is associated with the following publications: (PMID: 31033143, 34670123, 33841490)

Literature cited by the submitters: PubMed 31033143 (cited by Natera, Inc. and Labcorp Genetics (formerly Invitae), Labcorp); PubMed 16121256 (cited by Labcorp Genetics (formerly Invitae), Labcorp); PubMed 20434380 (cited by Labcorp Genetics (formerly Invitae), Labcorp).